The following is an entry in ClinVar:

NM_000135.4(FANCA):c.1160A>G (p.Gln387Arg)

Gene: FANCA (FA complementation group A; minus strand). Cytogenetic location: 16q24.3.
Variant type: single nucleotide variant.
Coding change: c.1160A>G on transcript NM_000135.4 (MANE Select); coding-DNA position 1160, A replaced by G.
Protein change: p.Gln387Arg; replaces glutamine 387 with arginine.
Molecular consequence: missense variant.
Genome position (GRCh38, 1-based): chr16:89,791,992, T>C on the plus strand (A>G on the coding strand, the complement: FANCA is on the minus strand). VCF-style: chr16-89791992-T-C. GRCh37 (hg19) VCF-style: chr16-89858400-T-C.
Other names: c.1160A>G, p.Gln387Arg (NM_001286167.3); short protein forms Q387R.
Identifiers: ClinVar variation 5038376 (VCV005038376.1).

ClinVar aggregate classification (germline): Uncertain significance (1 of 4 stars; one submission).

Conditions:
Fanconi anemia complementation group A (FANCA). Also called: FANCA-Related Fanconi Anemia; Fanconi anemia, group A. Identifiers: Orphanet 84, MedGen C3469521, MONDO:0009215, OMIM 227650.

Submission:

St. Jude Molecular Pathology, St. Jude Children's Research Hospital
Classification: Uncertain significance for Fanconi anemia complementation group A. Last evaluated: 2026-10-01. Review status: criteria provided, single submitter. Criteria: St. Jude Assertion Criteria 2020. Collection method: clinical testing. Allele origin: germline.
Comment: The FANCA c.1160A>G p.(Gln387Arg) missense change is absent in gnomAD v2.1.1. The in silico tool REVEL predicts a benign effect on protein function, but to our knowledge this prediction has not been confirmed by functional studies. To our knowledge, this variant has not been reported in individuals with Fanconi anemia. In summary, the evidence curr ently available is insufficient to determine the clinical significance of this variant. It has therefore been classified as of uncertain significance (VUS-Low).